The following is an entry in ClinVar:

ClinVar aggregate classification (germline): Uncertain significance. Review status: criteria provided, multiple submitters, no conflicts (2 of 4 stars). 2 submissions from 2 submitters: Uncertain significance (2). Last evaluated 2025-10-29.

Allele frequency attached by ClinVar (database versions not stated): gnomAD 0.00001; TOPMed 0.00002; 1000 Genomes Project 30x 0.00031.
gnomAD v4.1: 26 of 1,311,522 alleles (0.002%); highest among the groups gnomAD compares: African/African-American, 0.0031%; no homozygotes.

Submissions (2):

Ambry Genetics
Classification: Uncertain significance. Last evaluated: 2025-10-29. Review status: criteria provided, single submitter. Criteria: Ambry Variant Classification Scheme 2023. Collection method: clinical testing. Allele origin: germline.

Labcorp Genetics (formerly Invitae), Labcorp
Classification: Uncertain significance. Last evaluated: 2022-07-05. Review status: criteria provided, single submitter. Criteria: Invitae Variant Classification Sherloc (09022015). Collection method: clinical testing. Allele origin: germline.
Comment: In summary, the available evidence is currently insufficient to determine the role of this variant in disease. Therefore, it has been classified as a Variant of Uncertain Significance. Algorithms developed to predict the effect of missense changes on protein structure and function are either unavailable or do not agree on the potential impact of this missense change (SIFT: "Deleterious"; PolyPhen-2: "Benign"; Align-GVGD: "Class C0"). ClinVar contains an entry for this variant (Variation ID: 575122). This variant has not been reported in the literature in individuals affected with PLEKHM2-related conditions. This variant is not present in population databases (gnomAD no frequency). This sequence change replaces serine, which is neutral and polar, with leucine, which is neutral and non-polar, at codon 17 of the PLEKHM2 protein (p.Ser17Leu).

NM_015164.4(PLEKHM2):c.50C>T (p.Ser17Leu)

Gene: PLEKHM2 (pleckstrin homology and RUN domain containing M2; plus strand). Cytogenetic location: 1p36.21.
Variant type: single nucleotide variant.
Coding change: c.50C>T on transcript NM_015164.4 (MANE Select); coding-DNA position 50, C replaced by T.
Protein change: p.Ser17Leu; replaces serine 17 with leucine.
Molecular consequence: missense variant.
Genome position (GRCh38, 1-based): chr1:15,684,608, C>T. VCF-style: chr1-15684608-C-T. GRCh37 (hg19) VCF-style: chr1-16011103-C-T.
Other names: short protein forms S17L.
Identifiers: ClinVar variation 575122 (VCV000575122.13), dbSNP rs1385246324, ClinGen allele CA338572541.
Genomic context (GRCh38, chr1:15,684,608, plus strand): 5'-GTGGCAGCGCCATGGAGCCGGGGGAGGTGAAGGACCGGATCCTGGAGAACATCTCGCTGT[C>T]GGTGAAGAAGGTGAGCGCGGCCTCCCTCCCGGCCGGGGCCCCTTCCTCGCCGCGCCCCCC-3'
Protein context (NP_055979.2, residues 7-27): KDRILENISL[Ser17Leu]VKKLQSYFAA